The following is an entry in ClinVar:

NM_139075.4(TPCN2):c.1762-4C>A

Gene: TPCN2 (two pore segment channel 2; plus strand). Cytogenetic location: 11q13.3.
Variant type: single nucleotide variant.
Coding change: c.1762-4C>A on transcript NM_139075.4 (MANE Select); 4 bases into the intron before coding-DNA position 1762, C replaced by A.
Molecular consequence: intron variant.
Genome position (GRCh38, 1-based): chr11:69,085,206, C>A. VCF-style: chr11-69085206-C-A. GRCh37 (hg19) VCF-style: chr11-68852674-C-A.
Identifiers: ClinVar variation 3352781 (VCV003352781.6).
Genomic context (GRCh38, chr11:69,085,206, plus strand): 5'-GGGAGGGTGGTGGTGGGTGCACCCATGGGTGGGGCTGATCAGTCCCCGGCTCCTGGCCCG[C>A]CAGGTGGTCTACTACGTATTTGCCATCATTGGGATCAACTTGTTTAGAGGCGTCATTGTG-3'

ClinVar aggregate classification (germline): Likely benign. Review status: criteria provided, multiple submitters, no conflicts (2 of 4 stars). 3 submissions from 3 submitters: Likely benign (2). 1 of the submissions does not count toward it. Last evaluated 2026-04-01.

Conditions:
TPCN2-related condition.

gnomAD v4.1: 5,528 of 1,614,006 alleles (0.34%); highest among the groups gnomAD compares: Middle Eastern, 0.46%; 10 homozygotes.

Submissions (3):

CeGaT Center for Human Genetics Tuebingen
Classification: Likely benign. Last evaluated: 2026-04-01. Review status: criteria provided, single submitter. Criteria: CeGaT Center For Human Genetics Tuebingen Variant Classification Criteria Version 2. Collection method: clinical testing. Allele origin: germline. Affected: yes. Observed: 2 variant alleles.
Comment: TPCN2: BP4, BS2

Blueprint Genetics
Classification: Likely benign. Last evaluated: 2024-11-27. Review status: criteria provided, single submitter. Criteria: ACMG Guidelines, 2015. Collection method: clinical testing. Allele origin: germline.

PreventionGenetics, part of Exact Sciences
Classification: Likely benign for TPCN2-related condition. Last evaluated: 2024-08-01. Review status: no assertion criteria provided. Collection method: clinical testing. Allele origin: germline. Not counted in ClinVar's aggregate classification.
Comment: This variant is classified as likely benign based on ACMG/AMP sequence variant interpretation guidelines (Richards et al. 2015 PMID: 25741868, with internal and published modifications).